The following is an entry in ClinVar:

GRCh38/hg38 9p24.3-23(chr9:211087-13754567)x1

Genes: AK3 (adenylate kinase 3; minus strand), BRD10 (bromodomain containing 10; minus strand), CD274 (CD274 molecule; plus strand), CDC37L1 (cell division cycle 37 like 1, HSP90 cochaperone; plus strand), CDC37L1-DT (CDC37L1 divergent transcript; minus strand) and 252 more. Cytogenetic location: 9p24.3-23.
Variant type: copy number loss.
Change: copy number 1 (one copy instead of two) of chr9:211,087-13,754,567 (13.54 Mb, GRCh38 coordinates, 1-based), cytogenetic band 9p24.3-23.
Identifiers: ClinVar variation 59060 (VCV000059060.2).

ClinVar aggregate classification (germline): Pathogenic (1 of 4 stars; one submission).

Submission:

ISCA Site 6
Classification: Pathogenic. Last evaluated: 2011-08-12. Review status: criteria provided, single submitter. Criteria: Kaminsky et al. (Genet Med. 2011). Collection method: clinical testing. Allele origin: unknown. Affected: yes. Observed: 1 variant allele.
Comment: Copy number variation identified through the course of routine clinical cytogenomic testing in postnatal populations. Clinical assertions have been curated as described in Kaminsky et al. 2011.